The following continues an entry in ClinVar:

NM_000492.4(CFTR):c.601G>A (p.Val201Met)

Gene: CFTR. ClinVar aggregate classification (germline): Uncertain significance. Uncertain significance (1).

Submissions 7 to 18 of 22:

ARUP Laboratories, Molecular Genetics and Genomics, ARUP Laboratories
Classification: Uncertain significance. Last evaluated: 2025-03-13. Review status: criteria provided, single submitter. Criteria: ARUP Molecular Germline Variant Investigation Process 2024. Collection method: clinical testing. Allele origin: germline. Not counted in ClinVar's aggregate classification.
Comment: The CFTR c.601G>A; p.Val201Met variant (rs138338446) has been identified without an additional pathogenic variant in an individual with a clinical diagnosis of cystic fibrosis (CF), individuals with congenital bilateral absence of the vas deferens (CBAVD) (Bernardino 2000, Gallati 2009, Luo 2021, Steiner 2011, Wu 2005), and in one individual with CBAVD who also carried a severe pathogenic variant (Steiner 2011). However, this variant is most often identified in individuals with atypical CF as part of a complex variant on the same allele as other variants (Behar 2017, Brugnon 2008, Claustres 2004, Masson 2013, Steiner 2011, Terlizzi 2017). This variant is reported as an uncertain variant in ClinVar (Variation ID: 54022), and is found in the general population with an overall allele frequency of 0.02% (61/282812 alleles, including a single homozygote) in the Genome Aggregation Database (v2.1.1). Computational analyses are uncertain whether this variant is neutral or deleterious (REVEL: 0.676). Considering available information, the clinical significance of this variant cannot be determined with certainty. References: Behar DM et al. Nationwide genetic analysis for molecularly unresolved cystic fibrosis patients in a multiethnic society: implications for preconception carrier screening. Mol Genet Genomic Med. 2017 Feb 19;5(3):223-236. PMID: 28546993. Bernardino AL et al. Molecular analysis in Brazilian cystic fibrosis patients reveals five novel mutations. Genet Test. 2000;4(1):69-74. PMID: 10794365. Brugnon F et al. Outcome of intracytoplasmic sperm injection for a couple in which the man is carrier of CFTR p.[R74W;V201M;D1270N] and p.P841R mutations and his spouse a heterozygous carrier of p.F508del mutation of the cystic fibrosis transmembrane conductance regulator gene. Fertil Steril. 2008 Nov;90(5):2004.e23-6. PMID: 18703181. Claustres M et al. Are p.I148T, p.R74W and p.D1270N cystic fibrosis causing mutations? BMC Med Genet. 2004 Aug 2;5:19. PMID: 15287992. Gallati S et al. Cystic fibrosis transmembrane conductance regulator mutations in azoospermic and oligospermic men and their partners. Reprod Biomed Online. 2009 Nov;19(5):685-94. PMID: 20021716. Luo S et al. Mutation analysis of the cystic fibrosis transmembrane conductance regulator gene in Chinese congenital absence of vas deferens patients. Gene. 2021 Jan 10;765:145045. PMID: 32777524. Masson E et al. A conservative assessment of the major genetic causes of idiopathic chronic pancreatitis: data from a comprehensive analysis of PRSS1, SPINK1, CTRC and CFTR genes in 253 young French patients. PLoS One. 2013 Aug 8;8(8):e73522. PMID: 23951356. Steiner B et al. Common CFTR haplotypes and susceptibility to chronic pancreatitis and congenital bilateral absence of the vas deferens. Hum Mutat. 2011 Aug;32(8):912-20. PMID: 21520337. Terlizzi V et al. Genotype-phenotype correlation and functional studies in patients with cystic fibrosis bearing CFTR complex alleles. J Med Genet. 2017 Apr;54(4):224-235. PMID: 27738188. Wu CC et al. Mutation spectrum of the CFTR gene in Taiwanese patients with congenital bilateral absence of the vas deferens. Hum Reprod. 2005 Sep;20(9):2470-5. PMID: 15905293.

Quest Diagnostics Nichols Institute San Juan Capistrano
Classification: Uncertain significance. Last evaluated: 2025-02-07. Review status: criteria provided, single submitter. Criteria: Quest Diagnostics criteria. Collection method: clinical testing. Allele origin: unknown. Not counted in ClinVar's aggregate classification.
Comment: The CFTR c.[220C>T;601G>A;3808G>A] (p.[Arg74Trp;Val201Met;Asp1270Asn]) complex allele is associated with a variable CF-related phenotype depending on the overall genotype. Individuals who carry this variant in combination with a CF-causing pathogenic variant on the opposite chromosome, such as F508del, have been reported in a number of cases with mild or atypical cystic fibrosis (PMIDs: 37431359 (2023), 36982273 (2023), 33020115 (2020), 32687833 (2020), 28546993 (2017)), though penetrance has also been reported as incomplete in these genotypes (PMID: 18703181 (2008)). Individuals homozygous for the c.[220C>T;601G>A;3808G>A] allele, or compound heterozygous with missense variants such as p.Cys866Arg, p.Arg1066Cys, or p.Met952Ile, have presented with congenital absence of the vas deferens (PMIDs: 21520337 (2011), 15287992 (2004)). Functional data for this complex allele in immortalized cell lines and in patient cells are consistent with a severe reduction in function (PMIDs: 36552859 (2022), 27738188 (2017)). Therefore, this complex allele is classified as likely pathogenic with reduced penetrance, associated with atypical CF or CFTR-related disorders.

Ambry Genetics
Classification: Uncertain significance for Cystic fibrosis. Last evaluated: 2025-01-23. Review status: criteria provided, single submitter. Criteria: Ambry Variant Classification Scheme 2023. Collection method: clinical testing. Allele origin: germline. Not counted in ClinVar's aggregate classification.
Comment: The p.V201M variant (also known as c.601G>A), located in coding exon 6 of the CFTR gene, results from a G to A substitution at nucleotide position 601. The valine at codon 201 is replaced by methionine, an amino acid with highly similar properties. This variant was identified in isolation in a child with mild pulmonary disease, pancreatic sufficiency, and elevated sweat chloride; however, a second alteration was not identified (Bernardino AL et al. Genet Test, 2000;4:69-74). This variant often occurs as part of a complex allele, p.[R74W;R1070W;D1270N]. The complex allele has been identified in the homozygous state and in trans with a pathogenic CFTR mutation in multiple individuals with cystic fibrosis and CFTR-related disorders (Claustres M et al. BMC Med Genet, 2004 Aug;5:19; Steiner B et al. Hum Mutat, 2011 Aug;32:912-20; Lucarelli M et al. Mol Med, 2015 Apr;21:257-75; Terlizzi V et al. J Med Genet, 2017 Apr;54:224-235). In one report, two young boys carried the complex allele in trans with p.F508del and were asymptomatic; however, CBAVD was not ruled out (Brugnon F et al. Fertil. Steril., 2008 Nov;90:2004.e23-6). Functional studies demonstrated that this variant on its own reduces CFTR activity, but the presence of the other variants (p.R74W and p.D1270N) in cis results in further reduction (Raraigh KS et al. Am J Hum Genet, 2018 Jun;102:1062-1077; Bihler H et al. J Cyst Fibros, 2024 Jul;23:664-675). This amino acid position is not well conserved in available vertebrate species. In addition, this alteration is predicted to be deleterious by in silico analysis. Based on the available evidence, the clinical significance of this variant remains unclear.

Blueprint Genetics
Classification: Uncertain significance. Last evaluated: 2024-03-12. Review status: criteria provided, single submitter. Criteria: ACMG Guidelines, 2015. Collection method: clinical testing. Allele origin: germline. Not counted in ClinVar's aggregate classification.

Fulgent Genetics
Classification: Likely pathogenic for Hereditary pancreatitis; Bronchiectasis with or without elevated sweat chloride 1; Cystic fibrosis; Congenital bilateral aplasia of vas deferens from CFTR mutation. Last evaluated: 2024-01-29. Review status: criteria provided, single submitter. Criteria: ACMG Guidelines, 2015. Collection method: clinical testing. Allele origin: germline. Not counted in ClinVar's aggregate classification.

Mayo Clinic Laboratories, Mayo Clinic
Classification: Uncertain significance. Last evaluated: 2023-05-23. Review status: criteria provided, single submitter. Criteria: ACMG Guidelines, 2015. Collection method: clinical testing. Allele origin: germline. Observed: 10 variant alleles. Not counted in ClinVar's aggregate classification.
Comment: PM2

Clinical Genetics Laboratory, Skane University Hospital Lund
Classification: Uncertain significance. Last evaluated: 2022-05-27. Review status: criteria provided, single submitter. Criteria: ACMG Guidelines, 2015. Collection method: clinical testing. Allele origin: germline. Affected: yes. Not counted in ClinVar's aggregate classification.

Genome-Nilou Lab
Classification: Uncertain significance for Cystic fibrosis. Last evaluated: 2021-07-14. Review status: criteria provided, single submitter. Criteria: ACMG Guidelines, 2015. Collection method: clinical testing. Allele origin: germline. Affected: no. Not counted in ClinVar's aggregate classification.

Genome Diagnostics Laboratory, The Hospital for Sick Children
Classification: Uncertain significance for Cystic fibrosis. Last evaluated: 2021-03-26. Review status: criteria provided, single submitter. Criteria: ACMG Guidelines, 2015. Collection method: clinical testing. Allele origin: germline. Not counted in ClinVar's aggregate classification.

Johns Hopkins Genomics, Johns Hopkins University
Classification: Uncertain significance for Cystic fibrosis. Last evaluated: 2020-06-11. Review status: criteria provided, single submitter. Criteria: ACMG Guidelines, 2015. Collection method: clinical testing. Allele origin: germline. Not counted in ClinVar's aggregate classification.
Comment: CFTR variant of uncertain clinical significance. See CFTR2 for phenotype information.

Eurofins Ntd Llc (ga)
Classification: Uncertain significance. Last evaluated: 2018-02-07. Review status: criteria provided, single submitter. Criteria: EGL Classification Definitions 2015. Collection method: clinical testing. Allele origin: germline. Observed: 15 variant alleles, 15 heterozygotes. Not counted in ClinVar's aggregate classification.

GeneDx
Classification: Uncertain significance. Last evaluated: 2016-11-02. Review status: criteria provided, single submitter. Criteria: GeneDx Variant Classification (06012015). Collection method: clinical testing. Allele origin: germline. Affected: yes. Not counted in ClinVar's aggregate classification.
Comment: The V201M variant in the CFTR gene has been reported previously as heterozygous in one child diagnosed with CF; no other variants in the CFTR gene were identified (Bernardino et al., 2000). The V201M variant was not observed with any significant frequency in approximately 6500 individuals of European and African American ancestry in the NHLBI Exome Sequencing Project, indicating it is not a common benign variant in these populations. The V201M variant is a conservative amino acid substitution, which is not likely to impact secondary protein structure as these residues share similar properties. This substitution occurs at a position where amino acids with similar properties to Valine are tolerated across species. In silico analysis is inconsistent in its predictions as to whether or not the variant is damaging to the protein structure/function. Pathogenic missense variants in nearby residues (H199Y, P205S) have been reported in the Human Gene Mutation Database in association with CF (Stenson et al., 2014), supporting the functional importance of this region of the protein. We interpret V201M as a variant of uncertain significance.